The following is an entry in ClinVar:

NM_000384.3(APOB):c.6099C>T (p.Pro2033=)

Gene: APOB (apolipoprotein B; minus strand). Cytogenetic location: 2p24.1.
Variant type: single nucleotide variant.
Coding change: c.6099C>T on transcript NM_000384.3 (MANE Select); coding-DNA position 6099, C replaced by T.
Protein change: p.Pro2033=; no amino-acid change (proline 2033 retained).
Molecular consequence: synonymous variant.
Genome position (GRCh38, 1-based): chr2:21,010,769, G>A on the plus strand (C>T on the coding strand, the complement: APOB is on the minus strand). VCF-style: chr2-21010769-G-A. GRCh37 (hg19) VCF-style: chr2-21233641-G-A.
Identifiers: ClinVar variation 2928773 (VCV002928773.17), dbSNP rs774263741, ClinGen allele CA062886.
Genomic context (GRCh38, chr2:21,010,769, plus strand): 5'-TGTAAATTCTTGGGGCTTCTCAACGGCATCTCTCATCTCTAAAGCATCAATGATATTGAT[G>A]GGCTCACTGAGTAAAAGTGGCACTTTAATTGGGGAGTCTAGTAGAGTTAGGTCAGCCAGA-3'
Protein context (NP_000375.3, residues 2023-2043): PIKVPLLLSE[Pro2033=]INIIDALEMR

ClinVar aggregate classification (germline): Likely benign. Review status: criteria provided, multiple submitters, no conflicts (2 of 4 stars). 2 submissions from 2 submitters: Likely benign (2). Last evaluated 2024-09-01.

Conditions:
Hypercholesterolemia, autosomal dominant, type B (FHCL2). Also called: HYPERCHOLESTEROLEMIA, FAMILIAL, DUE TO LIGAND-DEFECTIVE APOLIPOPROTEIN B; Familial Hypercholesterolemia Type B; APOLIPOPROTEIN B-100, FAMILIAL DEFECTIVE; APOLIPOPROTEIN B-100, FAMILIAL LIGAND-DEFECTIVE; Familial hypercholesterolemia 2; APOB-Related Familial Hypercholesterolemia, Autosomal Dominant. Identifiers: MedGen C1704417, MONDO:0007751, OMIM 144010.
Familial hypobetalipoproteinemia 1. Also called: Hypobetalipoproteinemia, normotriglyceridemic; Acanthocytosis with hypobetalipoproteinemia; APOB-Related Familial Hypobetalipoproteinemia. Identifiers: MedGen C4551990, MONDO:0014252, OMIM 615558.

Allele frequency attached by ClinVar (database versions not stated): ExAC 0.00001.
gnomAD v4.1: 4 of 1,614,088 alleles (0.00025%); highest among the groups gnomAD compares: East Asian, 0.0022%; no homozygotes.

Submissions (2):

CeGaT Center for Human Genetics Tuebingen
Classification: Likely benign. Last evaluated: 2024-09-01. Review status: criteria provided, single submitter. Criteria: CeGaT Center For Human Genetics Tuebingen Variant Classification Criteria Version 2. Collection method: clinical testing. Allele origin: germline. Affected: yes. Observed: 1 variant allele.
Comment: APOB: BP4, BP7

Labcorp Genetics (formerly Invitae), Labcorp
Classification: Likely benign for Familial hypobetalipoproteinemia 1; Hypercholesterolemia, autosomal dominant, type B. Last evaluated: 2023-09-12. Review status: criteria provided, single submitter. Criteria: Invitae Variant Classification Sherloc (09022015). Collection method: clinical testing. Allele origin: germline.